The following is an entry in ClinVar:

NM_001267550.2(TTN):c.58612A>G (p.Thr19538Ala)

Genes: TTN (titin; minus strand), TTN-AS1 (TTN antisense RNA 1; plus strand). Cytogenetic location: 2q31.2.
Variant type: single nucleotide variant.
Coding change: c.58612A>G on transcript NM_001267550.2 (MANE Select); coding-DNA position 58612, A replaced by G.
Protein change: p.Thr19538Ala; replaces threonine 19538 with alanine.
Molecular consequence: missense variant.
Genome position (GRCh38, 1-based): chr2:178,593,688, T>C on the plus strand (A>G on the coding strand, the complement: TTN is on the minus strand). VCF-style: chr2-178593688-T-C. GRCh37 (hg19) VCF-style: chr2-179458415-T-C.
Other names: p.T17897A:ACA>GCA; c.31792A>G, p.Thr10598Ala (NM_133432.3); c.31993A>G, p.Thr10665Ala (NM_133437.4); c.53689A>G, p.Thr17897Ala (NM_001256850.1); c.31417A>G, p.Thr10473Ala (NM_003319.4); c.50908A>G, p.Thr16970Ala (NM_133378.4); short protein forms T16970A, T19538A, T17897A, T10473A, T10665A, T10598A.
Identifiers: ClinVar variation 178205 (VCV000178205.32), dbSNP rs200017524, ClinGen allele CA181774.

ClinVar aggregate classification (germline): Benign/Likely benign. Review status: criteria provided, multiple submitters, no conflicts (2 of 4 stars). 14 submissions from 11 submitters: Benign (7); Likely benign (6). 1 of the submissions does not count toward it. Last evaluated 2026-09-01.

Conditions:
TTN-related disorder. Also called: TTN-related disorders; TTN-related condition; TTN-related disease.
Cardiovascular phenotype. Identifiers: MedGen CN230736.
Autosomal recessive limb-girdle muscular dystrophy type 2J (LGMDR10). Also called: Limb-girdle muscular dystrophy, type 2J; MUSCULAR DYSTROPHY, LIMB-GIRDLE, AUTOSOMAL RECESSIVE 10. Identifiers: Orphanet 140922, MedGen C1837342, MONDO:0012127, OMIM 608807.
Dilated cardiomyopathy 1G (CMD1G). Identifiers: Orphanet 154, MedGen C1858763, MONDO:0011400, OMIM 604145.
Myopathy, myofibrillar, 9, with early respiratory failure (MFM9). Also called: Myopathy, distal, with early respiratory failure, autosomal dominant; EDSTROM MYOPATHY; MYOPATHY, PROXIMAL, WITH EARLY RESPIRATORY MUSCLE INVOLVEMENT; Hereditary myopathy with early respiratory failure. Identifiers: Orphanet 178464, Orphanet 34521, MedGen C1863599, MONDO:0011362, OMIM 603689.
Tibial muscular dystrophy (TMD). Also called: Udd Distal Myopathy – Tibial Muscular Dystrophy; UDD MYOPATHY; Tibial muscular dystrophy, tardive. Identifiers: Orphanet 609, MedGen C1838244, MONDO:0010870, OMIM 600334.
Early-onset myopathy with fatal cardiomyopathy (CMYO5). Also called: Salih Myopathy; CONGENITAL MYOPATHY 5 WITH CARDIOMYOPATHY. Identifiers: Orphanet 289377, MedGen C2673677, MONDO:0012714, OMIM 611705. Disease mechanism: loss of function.

Allele frequency attached by ClinVar (database versions not stated): TOPMed 0.00153; gnomAD 0.00154 and 0.00139; 1000 Genomes Project 30x 0.00156; gnomAD exomes 0.00014 and 0.00036; ExAC 0.00044; ESP Exome Variant Server 0.00118; 1000 Genomes Project 0.00120.
gnomAD v4.1: 422 of 1,613,372 alleles (0.026%); highest among the groups gnomAD compares: African/African-American, 0.47%; no homozygotes.

Submissions (14):

CeGaT Center for Human Genetics Tuebingen
Classification: Likely benign. Last evaluated: 2026-09-01. Review status: criteria provided, single submitter. Criteria: CeGaT Center For Human Genetics Tuebingen Variant Classification Criteria Version 2. Collection method: clinical testing. Allele origin: germline. Affected: yes. Observed: 1 variant allele.
Comment: TTN: BP4, BS1

Labcorp Genetics (formerly Invitae), Labcorp
Classification: Benign for Dilated cardiomyopathy 1G; Autosomal recessive limb-girdle muscular dystrophy type 2J. Last evaluated: 2026-01-28. Review status: criteria provided, single submitter. Criteria: Invitae Variant Classification Sherloc (09022015). Collection method: clinical testing. Allele origin: germline.

Athena Diagnostics
Classification: Benign. Last evaluated: 2025-05-19. Review status: criteria provided, single submitter. Criteria: Athena Diagnostics Criteria. Collection method: clinical testing. Allele origin: unknown.
Comment: The frequency of this variant in the general population is higher than would generally be expected for pathogenic variants in this gene.

Blueprint Genetics
Classification: Likely benign. Last evaluated: 2024-10-04. Review status: criteria provided, single submitter. Criteria: ACMG Guidelines, 2015. Collection method: clinical testing. Allele origin: germline.

Women's Health and Genetics/Laboratory Corporation of America, LabCorp
Classification: Benign. Last evaluated: 2023-06-12. Review status: criteria provided, single submitter. Criteria: LabCorp Variant Classification Summary - May 2015. Collection method: clinical testing. Allele origin: germline.
Comment: Variant summary: TTN c.50908A>G (p.Thr16970Ala) results in a non-conservative amino acid change located in the A-band region of the encoded protein sequence. Three of four in-silico tools predict a damaging effect of the variant on protein function. The variant allele was found at a frequency of 0.00036 in 248186 control chromosomes, predominantly at a frequency of 0.0047 within the African or African-American subpopulation in the gnomAD database. The observed variant frequency within African or African-American control individuals in the gnomAD database is approximately 12-fold of the estimated maximal expected allele frequency for a pathogenic variant in TTN causing Dilated Cardiomyopathy phenotype (0.00039), strongly suggesting that the variant is a benign polymorphism. To our knowledge, no occurrence of c.50908A>G in individuals affected with Dilated Cardiomyopathy and no experimental evidence demonstrating its impact on protein function have been reported. Seven clinical diagnostic laboratories have submitted clinical-significance assessments for this variant to ClinVar after 2014, and all laboratories classified the variant as benign/likely benign. Based on the evidence outlined above, the variant was classified as benign.

Genome-Nilou Lab
Classification: Benign for Autosomal recessive limb-girdle muscular dystrophy type 2J. Last evaluated: 2021-09-10. Review status: criteria provided, single submitter. Criteria: ACMG Guidelines, 2015. Collection method: clinical testing. Allele origin: germline. Affected: no.

Genome-Nilou Lab
Classification: Benign for Myopathy, myofibrillar, 9, with early respiratory failure. Last evaluated: 2021-09-10. Review status: criteria provided, single submitter. Criteria: ACMG Guidelines, 2015. Collection method: clinical testing. Allele origin: germline. Affected: no.

Genome-Nilou Lab
Classification: Benign for Early-onset myopathy with fatal cardiomyopathy. Last evaluated: 2021-09-10. Review status: criteria provided, single submitter. Criteria: ACMG Guidelines, 2015. Collection method: clinical testing. Allele origin: germline. Affected: no.

Genome-Nilou Lab
Classification: Benign for Tibial muscular dystrophy. Last evaluated: 2021-09-10. Review status: criteria provided, single submitter. Criteria: ACMG Guidelines, 2015. Collection method: clinical testing. Allele origin: germline. Affected: no.

Ambry Genetics
Classification: Likely benign for Cardiovascular phenotype. Last evaluated: 2018-07-09. Review status: criteria provided, single submitter. Criteria: Ambry Variant Classification Scheme 2023. Collection method: clinical testing. Allele origin: germline.

GeneDx
Classification: Likely benign. Last evaluated: 2018-01-11. Review status: criteria provided, single submitter. Criteria: GeneDx Variant Classification (06012015). Collection method: clinical testing. Allele origin: germline. Affected: yes.
Comment: This variant is considered likely benign or benign based on one or more of the following criteria: it is a conservative change, it occurs at a poorly conserved position in the protein, it is predicted to be benign by multiple in silico algorithms, and/or has population frequency not consistent with disease.

Laboratory for Molecular Medicine, Mass General Brigham Personalized Medicine
Classification: Likely benign. Last evaluated: 2015-10-31. Review status: criteria provided, single submitter. Criteria: LMM Criteria. Collection method: clinical testing. Allele origin: germline. Observed: 3 variant alleles.
Comment: p.Thr16970Ala in exon 247 of TTN: This variant is not expected to have clinical significance because it has been identified in 0.5% (45/9792) of African chromos omes by the Exome Aggregation Consortium (ExAC; dbSNP rs200017524).

Eurofins Ntd Llc (ga)
Classification: Likely benign. Last evaluated: 2015-09-08. Review status: criteria provided, single submitter. Criteria: EGL Classification Definitions 2015. Collection method: clinical testing. Allele origin: germline. Observed: 1 variant allele, 1 heterozygote.

PreventionGenetics, part of Exact Sciences
Classification: Likely benign for TTN-related condition. Last evaluated: 2020-11-10. Review status: no assertion criteria provided. Collection method: clinical testing. Allele origin: germline. Not counted in ClinVar's aggregate classification.
Comment: This variant is classified as likely benign based on ACMG/AMP sequence variant interpretation guidelines (Richards et al. 2015 PMID: 25741868, with internal and published modifications).

Literature cited by the submitters: PubMed 31484976 (cited by Athena Diagnostics).